The following is an entry in ClinVar:

NM_024753.5(TTC21B):c.2462-1G>A

Gene: TTC21B (tetratricopeptide repeat domain 21B; minus strand). Cytogenetic location: 2q24.3.
Variant type: single nucleotide variant.
Coding change: c.2462-1G>A on transcript NM_024753.5 (MANE Select); the canonical splice acceptor site of the intron before coding-DNA position 2462, G replaced by A.
Molecular consequence: splice acceptor variant.
Genome position (GRCh38, 1-based): chr2:165,907,785, C>T on the plus strand (G>A on the coding strand, the complement: TTC21B is on the minus strand). VCF-style: chr2-165907785-C-T. GRCh37 (hg19) VCF-style: chr2-166764295-C-T.
Other names: c.2462-1G>A (NM_024753.4).
Identifiers: ClinVar variation 3780761 (VCV003780761.2).

ClinVar aggregate classification (germline): Likely pathogenic. Review status: criteria provided, multiple submitters, no conflicts (2 of 4 stars). 2 submissions from 2 submitters: Likely pathogenic (2). Last evaluated 2026-03-19.

Conditions:
TTC21B-related disorder. Also called: TTC21B-related condition; TTC21B-related disorders.
Nephronophthisis 12 (NPHP12). Identifiers: Orphanet 655, MedGen C3151186, MONDO:0013442, OMIM 613820.

gnomAD v4.1: 5 of 1,595,478 alleles (0.00031%); highest among the groups gnomAD compares: Non-Finnish European, 0.00034%; no homozygotes.

Submissions (2):

PreventionGenetics, part of Exact Sciences
Classification: Likely pathogenic for TTC21B-related condition. Last evaluated: 2026-03-19. Review status: criteria provided, single submitter. Criteria: ACMG Guidelines, 2015. Collection method: clinical testing. Allele origin: germline.
Comment: The TTC21B c.2462-1G>A variant is predicted to disrupt the AG splice acceptor site and interfere with normal splicing. To our knowledge, this variant has not been reported in the literature or in a large population database (gnomAD), indicating this variant is rare. Variants that disrupt the consensus splice acceptor site in TTC21B are expected to be pathogenic. This variant is interpreted as likely pathogenic.

Department of Pathology and Laboratory Medicine, Sinai Health System
Classification: Likely pathogenic for Nephronophthisis 12. Last evaluated: 2023-04-04. Review status: criteria provided, single submitter. Criteria: ACMG Guidelines, 2015. Collection method: research. Allele origin: germline.